The following is an entry in ClinVar:

NM_001003800.2(BICD2):c.1673G>A (p.Arg558His)

Gene: BICD2 (BICD cargo adaptor 2; minus strand). Cytogenetic location: 9q22.31.
Variant type: single nucleotide variant.
Coding change: c.1673G>A on transcript NM_001003800.2 (MANE Select); coding-DNA position 1673, G replaced by A.
Protein change: p.Arg558His; replaces arginine 558 with histidine.
Molecular consequence: missense variant.
Genome position (GRCh38, 1-based): chr9:92,718,972, C>T on the plus strand (G>A on the coding strand, the complement: BICD2 is on the minus strand). VCF-style: chr9-92718972-C-T. GRCh37 (hg19) VCF-style: chr9-95481254-C-T.
Other names: c.1673G>A, p.Arg558His (NM_015250.4); short protein forms R558H.
Identifiers: ClinVar variation 3707976 (VCV003707976.2).

ClinVar aggregate classification (germline): Uncertain significance (1 of 4 stars; one submission).

Conditions:
Autosomal dominant childhood-onset proximal spinal muscular atrophy with contractures (SMALED2A). Also called: SPINAL MUSCULAR ATROPHY, LOWER EXTREMITY-PREDOMINANT, 2A, CHILDHOOD ONSET, AUTOSOMAL DOMINANT; Spinal muscular atrophy, lower extremity-predominant, 2A, autosomal dominant. Identifiers: Orphanet 363447, Orphanet 363454, MedGen C4747715, MONDO:0014121, OMIM 615290.

gnomAD v4.1: 5 of 1,610,590 alleles (0.00031%); highest among the groups gnomAD compares: Non-Finnish European, 0.00042%; no homozygotes.

Submission:

Labcorp Genetics (formerly Invitae), Labcorp
Classification: Uncertain significance for Autosomal dominant childhood-onset proximal spinal muscular atrophy with contractures. Last evaluated: 2024-09-03. Review status: criteria provided, single submitter. Criteria: Invitae Variant Classification Sherloc (09022015). Collection method: clinical testing. Allele origin: germline.
Comment: This sequence change replaces arginine, which is basic and polar, with histidine, which is basic and polar, at codon 558 of the BICD2 protein (p.Arg558His). This variant is present in population databases (no rsID available, gnomAD 0.0009%). This variant has not been reported in the literature in individuals affected with BICD2-related conditions. Invitae Evidence Modeling of protein sequence and biophysical properties (such as structural, functional, and spatial information, amino acid conservation, physicochemical variation, residue mobility, and thermodynamic stability) indicates that this missense variant is not expected to disrupt BICD2 protein function with a negative predictive value of 80%. In summary, the available evidence is currently insufficient to determine the role of this variant in disease. Therefore, it has been classified as a Variant of Uncertain Significance.